The following is an entry in ClinVar:

NM_000218.3(KCNQ1):c.830C>G (p.Ser277Trp)

Gene: KCNQ1 (potassium voltage-gated channel subfamily Q member 1; plus strand). Cytogenetic location: 11p15.5.
Variant type: single nucleotide variant.
Coding change: c.830C>G on transcript NM_000218.3 (MANE Select); coding-DNA position 830, C replaced by G.
Protein change: p.Ser277Trp; replaces serine 277 with tryptophan.
Molecular consequence: missense variant.
Genome position (GRCh38, 1-based): chr11:2,572,895, C>G. VCF-style: chr11-2572895-C-G. GRCh37 (hg19) VCF-style: chr11-2594125-C-G.
Other names: p.S277W:TCG>TGG; c.830C>G (LRG_287t1); c.830C>G, p.Ser277Trp (NM_001406836.1); c.560C>G, p.Ser187Trp (NM_001406837.1); c.449C>G, p.Ser150Trp (NM_181798.2); short protein forms S277W, S150W, S187W.
Identifiers: ClinVar variation 53115 (VCV000053115.8), dbSNP rs199472730, ClinGen allele CA008428.

ClinVar aggregate classification (germline): Pathogenic. Review status: criteria provided, multiple submitters, no conflicts (2 of 4 stars). 3 submissions from 3 submitters: Pathogenic (2). 1 of the submissions does not count toward it. Last evaluated 2025-01-06.

Conditions:
Familial long QT syndrome (RWS). Also called: Congenital long QT syndrome; Romano-Ward syndrome; VENTRICULAR FIBRILLATION WITH PROLONGED QT INTERVAL. Identifiers: Orphanet 768, MedGen C1141890, MONDO:0019171.
Long QT syndrome (LQTS). Identifiers: MedGen C0023976, MeSH D008133, MONDO:0002442. Disease mechanism: loss of function. Inheritance: Various modes of inheritance.

Submissions (3):

Labcorp Genetics (formerly Invitae), Labcorp
Classification: Pathogenic for Long QT syndrome. Last evaluated: 2025-01-06. Review status: criteria provided, single submitter. Criteria: Invitae Variant Classification Sherloc (09022015). Collection method: clinical testing. Allele origin: germline.
Comment: This sequence change replaces serine, which is neutral and polar, with tryptophan, which is neutral and slightly polar, at codon 277 of the KCNQ1 protein (p.Ser277Trp). This variant is not present in population databases (gnomAD no frequency). This missense change has been observed in individuals with autosomal dominant long QT syndrome (PMID: 16414944, 23130128). ClinVar contains an entry for this variant (Variation ID: 53115). Invitae Evidence Modeling of protein sequence and biophysical properties (such as structural, functional, and spatial information, amino acid conservation, physicochemical variation, residue mobility, and thermodynamic stability) indicates that this missense variant is expected to disrupt KCNQ1 protein function with a positive predictive value of 95%. This variant disrupts the p.Ser277 amino acid residue in KCNQ1. Other variant(s) that disrupt this residue have been determined to be pathogenic (PMID: 12442276, 21241800, 21895724). This suggests that this residue is clinically significant, and that variants that disrupt this residue are likely to be disease-causing. For these reasons, this variant has been classified as Pathogenic.

GeneDx
Classification: Pathogenic. Last evaluated: 2012-01-16. Review status: criteria provided, single submitter. Criteria: GeneDx Variant Classification (06012015). Collection method: clinical testing. Allele origin: germline. Affected: yes.
Comment: This missense change is denoted Ser277Trp (aka S277W) at the protein level and c.830 C>G at the cDNA level. The Ser277Trp mutation in the KCNQ1 gene has been reported previously in association with LQTS, and this mutation was absent from 800 control alleles (Napolitano C et al., 2005). The NHLBI ESP Exome Variant Server reports Ser277Trp was not observed in approximately 5,000 samples from individuals of European and African American backgrounds, indicating it is not a common benign variant in these populations. In addition, functional studies of a similar missense mutation (Ser277Leu) reported this mutation suppresses normal KCNQ1 channel function (Aidery P et al., 2011). Ser277Trp results in a non-conservative amino acid substitution of a neutral, polar Serine with a non-polar Tryptophan at a residue that is conserved across species. Furthermore, different missense mutations at the same codon (Ser277Leu, Ser277Pro), as well as mutations in nearby codons (Phe275Ser,Trp278His) have also been reported in association with LQTS, further supporting the functional importance of this region of the protein. The variant is found in LQT panel(s).

Cardiovascular Biomedical Research Unit, Royal Brompton & Harefield NHS Foundation Trust
No classification provided. Condition: Familial long QT syndrome. Review status: no classification provided. Collection method: literature only. Allele origin: germline. Not counted in ClinVar's aggregate classification.
Comment: This variant has been reported as associated with Long QT syndrome in the following publications (PMID:16414944). This is a literature report, and does not necessarily reflect the clinical interpretation of the Imperial College / Royal Brompton Cardiovascular Genetics laboratory.

Literature cited by the submitters: PubMed 16414944 (cited by Labcorp Genetics (formerly Invitae), Labcorp and Cardiovascular Biomedical Research Unit, Royal Brompton & Harefield NHS Foundation Trust); PubMed 23130128 (cited by Labcorp Genetics (formerly Invitae), Labcorp); PubMed 12442276 (cited by Labcorp Genetics (formerly Invitae), Labcorp); PubMed 21241800 (cited by Labcorp Genetics (formerly Invitae), Labcorp); PubMed 21895724 (cited by Labcorp Genetics (formerly Invitae), Labcorp); PubMed 22581653 (cited by Cardiovascular Biomedical Research Unit, Royal Brompton & Harefield NHS Foundation Trust).